The following is an entry in ClinVar:

ClinVar aggregate classification (germline): Likely benign. Review status: criteria provided, multiple submitters, no conflicts (2 of 4 stars). 2 submissions from 2 submitters: Likely benign (2). Last evaluated 2026-07-23.

Conditions:
TG-related disorder. Also called: TG-related disorders; TG-related condition.

Allele frequency attached by ClinVar (database versions not stated): ExAC 0.00003; TOPMed 0.00005.

Submissions (2):

PreventionGenetics, part of Exact Sciences
Classification: Likely benign for TG-related condition. Last evaluated: 2026-07-23. Review status: criteria provided, single submitter. Criteria: ACMG Guidelines, 2015. Collection method: clinical testing. Allele origin: germline.
Comment: This variant is classified as likely benign based on ACMG/AMP sequence variant interpretation guidelines (Richards et al. 2015 PMID: 25741868, with internal and published modifications).

Labcorp Genetics (formerly Invitae), Labcorp
Classification: Likely benign. Last evaluated: 2023-12-14. Review status: criteria provided, single submitter. Criteria: Invitae Variant Classification Sherloc (09022015). Collection method: clinical testing. Allele origin: germline.

NM_003235.5(TG):c.3648G>A (p.Pro1216=)

Gene: TG (thyroglobulin; plus strand). Cytogenetic location: 8q24.22.
Variant type: single nucleotide variant.
Coding change: c.3648G>A on transcript NM_003235.5 (MANE Select); coding-DNA position 3648, G replaced by A.
Protein change: p.Pro1216=; no amino-acid change (proline 1216 retained).
Molecular consequence: synonymous variant.
Genome position (GRCh38, 1-based): chr8:132,906,701, G>A. VCF-style: chr8-132906701-G-A. GRCh37 (hg19) VCF-style: chr8-133918946-G-A.
Other names: c.3648G>A (NM_003235.4).
Identifiers: ClinVar variation 2704970 (VCV002704970.4), dbSNP rs756037708, ClinGen allele CA4883838.